The following is an entry in ClinVar:

NM_030662.4(MAP2K2):c.794A>T (p.Tyr265Phe)

Gene: MAP2K2 (mitogen-activated protein kinase kinase 2; minus strand). Cytogenetic location: 19p13.3.
Variant type: single nucleotide variant.
Coding change: c.794A>T on transcript NM_030662.4 (MANE Select); coding-DNA position 794, A replaced by T.
Protein change: p.Tyr265Phe; replaces tyrosine 265 with phenylalanine.
Molecular consequence: missense variant.
Genome position (GRCh38, 1-based): chr19:4,099,326, T>A on the plus strand (A>T on the coding strand, the complement: MAP2K2 is on the minus strand). VCF-style: chr19-4099326-T-A. GRCh37 (hg19) VCF-style: chr19-4099324-T-A.
Other names: short protein forms Y265F.
Identifiers: ClinVar variation 1046609 (VCV001046609.8), dbSNP rs1377552828, ClinGen allele CA403386516.

ClinVar aggregate classification (germline): Uncertain significance (1 of 4 stars; one submission).

Conditions:
RASopathy. Also called: rasopathies; Noonan spectrum disorder. Identifiers: Orphanet 536391, MedGen C5555857, MONDO:0021060.

Submission:

Labcorp Genetics (formerly Invitae), Labcorp
Classification: Uncertain significance for RASopathy. Last evaluated: 2020-07-24. Review status: criteria provided, single submitter. Criteria: Invitae Variant Classification Sherloc (09022015). Collection method: clinical testing. Allele origin: germline.
Comment: This variant has not been reported in the literature in individuals with MAP2K2-related conditions. Algorithms developed to predict the effect of missense changes on protein structure and function are either unavailable or do not agree on the potential impact of this missense change (SIFT: "Deleterious"; PolyPhen-2: "Benign"; Align-GVGD: "Class C15"). In summary, the available evidence is currently insufficient to determine the role of this variant in disease. Therefore, it has been classified as a Variant of Uncertain Significance. This sequence change replaces tyrosine with phenylalanine at codon 265 of the MAP2K2 protein (p.Tyr265Phe). The tyrosine residue is highly conserved and there is a small physicochemical difference between tyrosine and phenylalanine. This variant is not present in population databases (ExAC no frequency).